The following is an entry in ClinVar:

ClinVar aggregate classification (germline): Pathogenic. Review status: criteria provided, multiple submitters, no conflicts (2 of 4 stars). 7 submissions from 7 submitters: Pathogenic (6). 1 of the submissions does not count toward it. Last evaluated 2025-08-08.

Conditions:
Cardiovascular phenotype. Identifiers: MedGen CN230736.
ALMS1-related disorder. Also called: ALMS1-related condition.
Alstrom syndrome (ALMS). Identifiers: Orphanet 64, MedGen C0268425, MONDO:0008763, OMIM 203800.

Submissions (7):

Natera, Inc.
Classification: Pathogenic for Alstrom syndrome. Last evaluated: 2025-08-08. Review status: criteria provided, single submitter. Criteria: Natera Variant Classification Schema (03/2026). Collection method: clinical testing. Allele origin: germline.
Comment: The c.11618_11619delCT variant in ALMS1 is a frameshift variant predicted to shift the reading frame beginning at codon 3873 and leads to a stop codon 19 codons downstream. This variant is expected to result in nonsense mediated decay, truncation, or a dysfunctional protein product. This variant is rare in the general population with a frequency below the threshold expected for the associated phenotype(s). This variant has been observed in one or more individuals affected with the associated recessive disease, as either homozygous or compound heterozygous with a second variant (PMID: 33669459, 29588463, 26969326). Given the available evidence, this variant is classified as Pathogenic.

Labcorp Genetics (formerly Invitae), Labcorp
Classification: Pathogenic for Alstrom syndrome. Last evaluated: 2025-06-01. Review status: criteria provided, single submitter. Criteria: Invitae Variant Classification Sherloc (09022015). Collection method: clinical testing. Allele origin: germline.
Comment: This sequence change creates a premature translational stop signal (p.Ser3873Tyrfs*19) in the ALMS1 gene. It is expected to result in an absent or disrupted protein product. Loss-of-function variants in ALMS1 are known to be pathogenic (PMID: 17594715). This variant is present in population databases (no rsID available, gnomAD 0.003%). This premature translational stop signal has been observed in individuals with ALMS1-related conditions (PMID: 26111748, 26969326, 29588463). ClinVar contains an entry for this variant (Variation ID: 553694). For these reasons, this variant has been classified as Pathogenic.

Ambry Genetics
Classification: Pathogenic for Cardiovascular phenotype. Last evaluated: 2024-11-26. Review status: criteria provided, single submitter. Criteria: Ambry Variant Classification Scheme 2023. Collection method: clinical testing. Allele origin: germline.
Comment: The c.11618_11619delCT pathogenic mutation, located in coding exon 17 of the ALMS1 gene, results from a deletion of two nucleotides at nucleotide positions 11618 to 11619, causing a translational frameshift with a predicted alternate stop codon (p.S3873Yfs*19). This variant has been identified in the homozygous state and/or in conjunction with other ALMS1 variant(s) in individual(s) with features consistent with Alstrom syndrome (Nadol JB et al. Audiol Neurootol, 2015 Jun;20:267-72; Citton V et al. J Neuroradiol, 2016 Jun;43:195-9; Sloan-Heggen CM et al. Hum Genet, 2016 Apr;135:441-450; Sanchez-Navarro I et al. Sci Rep, 2018 03;8:5285; Bea-Mascato B et al. Genes (Basel), 2021 02;12). This variant is considered to be rare based on population cohorts in the Genome Aggregation Database (gnomAD). In addition to the clinical data presented in the literature, this alteration is expected to result in loss of function by premature protein truncation or nonsense-mediated mRNA decay. As such, this alteration is interpreted as a disease-causing mutation.

Laboratoire Génétique Moléculaire, CHRU TOURS
Classification: Pathogenic for Alstrom syndrome. Last evaluated: 2024-10-16. Review status: criteria provided, single submitter. Criteria: ACMG Guidelines, 2015. Collection method: clinical testing. Allele origin: unknown. Affected: yes.
Comment: PVS1;PM3;PP4;PP5

GeneDx
Classification: Pathogenic. Last evaluated: 2024-06-04. Review status: criteria provided, single submitter. Criteria: GeneDx Variant Classification Process June 2021. Collection method: clinical testing. Allele origin: germline. Affected: yes.
Comment: Frameshift variant predicted to result in protein truncation or nonsense mediated decay in a gene for which loss of function is a known mechanism of disease; Not observed at significant frequency in large population cohorts (gnomAD); This variant is associated with the following publications: (PMID: 25846608, 29588463, 26969326)

Blueprint Genetics
Classification: Pathogenic for ALMS1-related disorders. Last evaluated: 2018-12-04. Review status: criteria provided, single submitter. Criteria: ACMG Guidelines, 2015. Collection method: clinical testing. Allele origin: germline. Affected: yes. Observed: 1 variant allele.

Counsyl
Classification: Pathogenic for Alstrom syndrome. Last evaluated: 2017-09-12. Review status: no assertion criteria provided. Collection method: clinical testing. Allele origin: unknown. Not counted in ClinVar's aggregate classification.

Literature cited by the submitters: PubMed 33669459 (cited by Natera, Inc. and Ambry Genetics); PubMed 29588463 (cited by 3 submitters); PubMed 26969326 (cited by 3 submitters); PubMed 17594715 (cited by Labcorp Genetics (formerly Invitae), Labcorp); PubMed 26111748 (cited by Labcorp Genetics (formerly Invitae), Labcorp and Ambry Genetics); PubMed 25846608 (cited by Ambry Genetics and Counsyl); PubMed 26704672 (cited by Ambry Genetics).

NM_001378454.1(ALMS1):c.11615_11616del (p.Ser3872fs)

Gene: ALMS1 (ALMS1 centrosome and basal body associated protein; plus strand). Cytogenetic location: 2p13.1.
Variant type: Microsatellite.
Coding change: c.11615_11616del on transcript NM_001378454.1 (MANE Select); coding-DNA positions 11615 to 11616, 2 bases deleted (CT; older notation c.11615_11616delCT).
Protein change: p.Ser3872fs; shifts the reading frame from serine 3872.
Molecular consequence: frameshift variant.
Genome position (GRCh38, 1-based): chr2:73,599,468-73,599,469, CT deleted; deleting any 2 consecutive bases within chr2:73,599,466-73,599,469 gives the same sequence; the c. name uses the placement nearest the transcript's 3' end. VCF-style (leftmost placement, unchanged base first): chr2-73599465-ACT-A. GRCh37 (hg19) VCF-style: chr2-73826592-ACT-A.
Other names: c.11618_11619del, p.Ser3873fs (NM_015120.4); c.11618_11619delCT (NM_015120.4); short protein forms S3873fs, S3872fs.
Identifiers: ClinVar variation 553694 (VCV000553694.20), dbSNP rs1476205467, ClinGen allele CA533675635.